The following is an entry in ClinVar:

ClinVar aggregate classification (germline): Uncertain significance (1 of 4 stars; one submission).

Conditions:
Inborn genetic diseases. Identifiers: MedGen C0950123, MeSH D030342.

Submission:

Ambry Genetics
Classification: Uncertain significance for Inborn genetic diseases. Last evaluated: 2023-08-03. Review status: criteria provided, single submitter. Criteria: Ambry Variant Classification Scheme 2023. Collection method: clinical testing. Allele origin: germline.
Comment: The p.S2491P variant (also known as c.7471T>C), located in coding exon 51 of the LRRK2 gene, results from a T to C substitution at nucleotide position 7471. The serine at codon 2491 is replaced by proline, an amino acid with similar properties. This amino acid position is conserved. In addition, the in silico prediction for this alteration is inconclusive. Since supporting evidence is limited at this time, the clinical significance of this alteration remains unclear.

NM_198578.4(LRRK2):c.7471T>C (p.Ser2491Pro)

Gene: LRRK2 (leucine rich repeat kinase 2; plus strand). Cytogenetic location: 12q12.
Variant type: single nucleotide variant.
Coding change: c.7471T>C on transcript NM_198578.4 (MANE Select); coding-DNA position 7471, T replaced by C.
Protein change: p.Ser2491Pro; replaces serine 2491 with proline.
Molecular consequence: missense variant.
Genome position (GRCh38, 1-based): chr12:40,367,652, T>C. VCF-style: chr12-40367652-T-C. GRCh37 (hg19) VCF-style: chr12-40761454-T-C.
Other names: short protein forms S2491P.
Identifiers: ClinVar variation 2624882 (VCV002624882.2), dbSNP rs2500065440, ClinGen allele CA384416016.